The following is an entry in ClinVar:

NM_138694.4(PKHD1):c.6333-8_6333-7del

Gene: PKHD1 (PKHD1 ciliary IPT domain containing fibrocystin/polyductin; minus strand). Cytogenetic location: 6p12.2.
Variant type: Deletion.
Coding change: c.6333-8_6333-7del on transcript NM_138694.4 (MANE Select); 8 bases into the intron before coding-DNA position 6333 through 7 bases into the intron before coding-DNA position 6333, 2 bases deleted (TT; older notation c.6333-8_6333-7delTT).
Molecular consequence: intron variant.
Genome position (GRCh38, 1-based): chr6:51,911,963-51,911,964, AA deleted on the plus strand (TT on the coding strand, the reverse complement: PKHD1 is on the minus strand); deleting any 2 consecutive bases within chr6:51,911,963-51,911,969 gives the same sequence; the c. name uses the placement nearest the transcript's 3' end. VCF-style (leftmost placement, unchanged base first): chr6-51911962-GAA-G. GRCh37 (hg19) VCF-style: chr6-51776760-GAA-G.
Other names: p.?; c.6333-8_6333-7del (NM_170724.3); c.6333-8_6333-7delTT (NM_138694.3).
Identifiers: ClinVar variation 96415 (VCV000096415.28), dbSNP rs138161138, ClinGen allele CA149520.

ClinVar aggregate classification (germline): Benign/Likely benign. Review status: criteria provided, multiple submitters, no conflicts (2 of 4 stars). 10 submissions from 10 submitters: Benign (8); Likely benign (1). 1 of the submissions does not count toward it. Last evaluated 2026-02-04.

Conditions:
Polycystic kidney disease 4 (PKD4). Also called: POLYCYSTIC KIDNEY AND HEPATIC DISEASE 1; POLYCYSTIC KIDNEY DISEASE, INFANTILE, TYPE I; PKD3; Autosomal Recessive Polycystic Kidney Disease – PKHD1; POLYCYSTIC KIDNEY DISEASE 4 WITH OR WITHOUT POLYCYSTIC LIVER DISEASE. Identifiers: MedGen C4540575, MONDO:0033004, OMIM 263200.
Autosomal recessive polycystic kidney disease (ARPKD). Also called: AR polycystic kidney disease. Identifiers: Orphanet 731, Orphanet 8378, MedGen C0085548, MeSH D017044, MONDO:0009889.

Submissions (10):

Labcorp Genetics (formerly Invitae), Labcorp
Classification: Benign for Autosomal recessive polycystic kidney disease. Last evaluated: 2026-02-04. Review status: criteria provided, single submitter. Criteria: Invitae Variant Classification Sherloc (09022015). Collection method: clinical testing. Allele origin: germline.

Mayo Clinic Laboratories, Mayo Clinic
Classification: Benign. Last evaluated: 2023-04-10. Review status: criteria provided, single submitter. Criteria: ACMG Guidelines, 2015. Collection method: clinical testing. Allele origin: germline. Observed: 33 variant alleles.

Fulgent Genetics
Classification: Likely benign for Polycystic kidney disease 4. Last evaluated: 2021-07-27. Review status: criteria provided, single submitter. Criteria: ACMG Guidelines, 2015. Collection method: clinical testing. Allele origin: unknown.

Department of Pathology and Laboratory Medicine, Sinai Health System
Classification: Benign for Polycystic kidney disease 4. Last evaluated: 2019-09-30. Review status: criteria provided, single submitter. Criteria: ACMG Guidelines, 2015. Collection method: clinical testing. Allele origin: germline. Affected: no.

GeneDx
Classification: Benign. Last evaluated: 2019-08-24. Review status: criteria provided, single submitter. Criteria: GeneDx Variant Classification Process June 2021. Collection method: clinical testing. Allele origin: germline. Affected: yes.

Women's Health and Genetics/Laboratory Corporation of America, LabCorp
Classification: Benign. Last evaluated: 2016-10-31. Review status: criteria provided, single submitter. Criteria: LabCorp Variant Classification Summary - May 2015. Collection method: clinical testing. Allele origin: germline.
Comment: Variant summary: The PKHD1 c.6333-8_6333-7delTT variant involves the deletion of two non-conserved intronic nucleotides. One in silico tool predicts a benign outcome for this variant. 5/5 splice prediction tools predict no significant impact on normal splicing. This variant was found in 1283/110896 control chromosomes (75 homozygotes), predominantly observed in the African subpopulation at a frequency of 0.1271383 (1204/9470). This frequency is about 18 times the estimated maximal expected allele frequency of a pathogenic PKHD1 variant (0.0070711), suggesting this is likely a benign polymorphism found primarily in the populations of African origin. In addition, multiple clinical diagnostic laboratories/reputable databases classified this variant as benign. Taken together, this variant is classified as benign.

Eurofins Ntd Llc (ga)
Classification: Benign. Last evaluated: 2016-06-20. Review status: criteria provided, single submitter. Criteria: EGL Classification Definitions 2015. Collection method: clinical testing. Allele origin: germline. Observed: 2 variant alleles, 2 heterozygotes.

Center for Pediatric Genomic Medicine, Children's Mercy Hospital and Clinics
Classification: Benign. Last evaluated: 2015-09-29. Review status: criteria provided, single submitter. Criteria: ACMG Guidelines, 2015. Collection method: clinical testing. Allele origin: germline.

PreventionGenetics, part of Exact Sciences
Classification: Benign. Review status: criteria provided, single submitter. Criteria: ACMG Guidelines, 2015. Collection method: clinical testing. Allele origin: germline.

Natera, Inc.
Classification: Benign for Autosomal recessive polycystic kidney disease. Last evaluated: 2017-03-29. Review status: no assertion criteria provided. Collection method: clinical testing. Allele origin: germline. Not counted in ClinVar's aggregate classification.

Literature cited by the submitters: PubMed 15805161 (cited by Department of Pathology and Laboratory Medicine, Sinai Health System and Women's Health and Genetics/Laboratory Corporation of America, LabCorp).